The following is an entry in ClinVar:

ClinVar aggregate classification (germline): Uncertain significance (1 of 4 stars; one submission).

Submission:

CeGaT Center for Human Genetics Tuebingen
Classification: Uncertain significance. Last evaluated: 2024-06-01. Review status: criteria provided, single submitter. Criteria: CeGaT Center For Human Genetics Tuebingen Variant Classification Criteria Version 2. Collection method: clinical testing. Allele origin: germline. Affected: yes. Observed: 1 variant allele.
Comment: MACF1: PM2, BP4

NM_001394062.1(MACF1):c.4997G>A (p.Ser1666Asn)

Gene: MACF1 (microtubule actin crosslinking factor 1; plus strand). Cytogenetic location: 1p34.3.
Variant type: single nucleotide variant.
Coding change: c.4997G>A on transcript NM_001394062.1 (MANE Select); coding-DNA position 4997, G replaced by A.
Protein change: p.Ser1666Asn; replaces serine 1666 with asparagine.
Molecular consequence: missense variant. On other transcripts: intron variant (1).
Genome position (GRCh38, 1-based): chr1:39,331,585, G>A. VCF-style: chr1-39331585-G-A. GRCh37 (hg19) VCF-style: chr1-39797257-G-A.
Other names: c.4629+4232G>A (NM_012090.5); short protein forms S1666N.
Identifiers: ClinVar variation 3251055 (VCV003251055.18), dbSNP rs1301830831.